The following is an entry in ClinVar:

NM_000219.6(KCNE1):c.117C>T (p.Asp39=)

Gene: KCNE1 (potassium voltage-gated channel subfamily E regulatory subunit 1; minus strand). Cytogenetic location: 21q22.12.
Variant type: single nucleotide variant.
Coding change: c.117C>T on transcript NM_000219.6 (MANE Select); coding-DNA position 117, C replaced by T.
Protein change: p.Asp39=; no amino-acid change (aspartic acid 39 retained).
Molecular consequence: synonymous variant.
Genome position (GRCh38, 1-based): chr21:34,449,518, G>A on the plus strand (C>T on the coding strand, the complement: KCNE1 is on the minus strand). VCF-style: chr21-34449518-G-A. GRCh37 (hg19) VCF-style: chr21-35821816-G-A.
Other names: c.117C>T, p.Asp39= (NM_001127668.4, NM_001127669.4, NM_001127670.4 and 4 more transcripts); c.117C>T (NM_000219.5).
Identifiers: ClinVar variation 1123193 (VCV001123193.14), dbSNP rs368465967, ClinGen allele CA320425461.

ClinVar aggregate classification (germline): Likely benign. Review status: criteria provided, multiple submitters, no conflicts (2 of 4 stars). 3 submissions from 3 submitters: Likely benign (3). Last evaluated 2025-10-28.

Conditions:
Long QT syndrome (LQTS). Identifiers: MedGen C0023976, MeSH D008133, MONDO:0002442. Disease mechanism: loss of function. Inheritance: Various modes of inheritance.
Cardiovascular phenotype. Identifiers: MedGen CN230736.
KCNE1-related disorder. Also called: KCNE1-related condition.

Allele frequency attached by ClinVar (database versions not stated): TOPMed 0.00001; ExAC 0.00002; gnomAD exomes 0.00002; ESP Exome Variant Server 0.00008.

Submissions (4):

Labcorp Genetics (formerly Invitae), Labcorp
Classification: Likely benign for Long QT syndrome. Last evaluated: 2025-10-28. Review status: criteria provided, single submitter. Criteria: Invitae Variant Classification Sherloc (09022015). Collection method: clinical testing. Allele origin: germline.

PreventionGenetics, part of Exact Sciences
Classification: Likely benign for KCNE1-related condition. Last evaluated: 2024-11-07. Review status: criteria provided, single submitter. Criteria: ACMG Guidelines, 2015. Collection method: clinical testing. Allele origin: germline.
Comment: This variant is classified as likely benign based on ACMG/AMP sequence variant interpretation guidelines (Richards et al. 2015 PMID: 25741868, with internal and published modifications).

Ambry Genetics
Classification: Likely benign for Cardiovascular phenotype. Last evaluated: 2020-01-14. Review status: criteria provided, single submitter. Criteria: Ambry Variant Classification Scheme 2023. Collection method: clinical testing. Allele origin: germline.

Roden Lab, Vanderbilt University Medical Center
No classification provided (evidence only). Condition: Long QT syndrome 5. Review status: no classification provided. Collection method: in vitro. Allele origin: not applicable. Functional consequence: Effect on ion channel function. Not counted in ClinVar's aggregate classification.
ClinVar note: "not provided" was previously submitted as the classification for the variant. However, the classification appeared to be based only on an observation of functional data so it was converted to no classification on 2025-07-30.